The following is an entry in ClinVar:

NM_147686.4(TRAF3IP2):c.981C>T (p.Pro327=)

Genes: TRAF3IP2-AS1 (TRAF3IP2 antisense RNA 1; plus strand), TRAF3IP2 (TRAF3 interacting protein 2; minus strand). Cytogenetic location: 6q21.
Variant type: single nucleotide variant.
Coding change: c.981C>T on transcript NM_147686.4 (MANE Select); coding-DNA position 981, C replaced by T.
Protein change: p.Pro327=; no amino-acid change (proline 327 retained).
Molecular consequence: synonymous variant.
Genome position (GRCh38, 1-based): chr6:111,580,238, G>A on the plus strand (C>T on the coding strand, the complement: TRAF3IP2 is on the minus strand). VCF-style: chr6-111580238-G-A. GRCh37 (hg19) VCF-style: chr6-111901441-G-A.
Other names: c.981C>T, p.Pro327= (NM_001164281.3); c.1008C>T, p.Pro336= (NM_147200.3).
Identifiers: ClinVar variation 735206 (VCV000735206.35), dbSNP rs112036127, ClinGen allele CA3963217.

ClinVar aggregate classification (germline): Likely benign. Review status: criteria provided, multiple submitters, no conflicts (2 of 4 stars). 3 submissions from 3 submitters: Likely benign (3). Last evaluated 2025-10-03.

Conditions:
Candidiasis, familial, 8 (CANDF8). Identifiers: Orphanet 1334, MedGen C3714992, MONDO:0014230, OMIM 615527.

Allele frequency attached by ClinVar (database versions not stated): TOPMed 0.00001; gnomAD 0.00004 and 0.00007.
gnomAD v4.1: 187 of 1,613,820 alleles (0.012%); highest among the groups gnomAD compares: South Asian, 0.13%; 3 homozygotes.

Submissions (3):

Labcorp Genetics (formerly Invitae), Labcorp
Classification: Likely benign for Candidiasis, familial, 8. Last evaluated: 2025-10-03. Review status: criteria provided, single submitter. Criteria: Invitae Variant Classification Sherloc (09022015). Collection method: clinical testing. Allele origin: germline.

Blueprint Genetics
Classification: Likely benign. Last evaluated: 2024-09-23. Review status: criteria provided, single submitter. Criteria: ACMG Guidelines, 2015. Collection method: clinical testing. Allele origin: germline.

CeGaT Center for Human Genetics Tuebingen
Classification: Likely benign. Last evaluated: 2022-07-01. Review status: criteria provided, single submitter. Criteria: CeGaT Center For Human Genetics Tuebingen Variant Classification Criteria Version 2. Collection method: clinical testing. Allele origin: germline. Affected: yes. Observed: 1 variant allele.
Comment: TRAF3IP2: BP4, BP7